The following is an entry in ClinVar:

ClinVar aggregate classification (germline): Uncertain significance (1 of 4 stars; one submission).

Conditions:
Mitochondrial DNA depletion syndrome 13. Also called: FBXL4-Related Encephalomyopathic Mitochondrial DNA Depletion Syndrome; Mitochondrial DNA depletion syndrome 13 (encephalomyopathic type). Identifiers: Orphanet 369897, MedGen C3809592, MONDO:0014198, OMIM 615471.

Allele frequency attached by ClinVar (database versions not stated): gnomAD exomes below 0.00001; ExAC 0.00001.
gnomAD v4.1: 2 of 1,614,166 alleles (0.00012%); highest among the groups gnomAD compares: East Asian, 0.0022%; no homozygotes.

Submission:

Wong Mito Lab, Molecular and Human Genetics, Baylor College of Medicine
Classification: Uncertain significance for Mitochondrial DNA depletion syndrome 13. Last evaluated: 2017-08-10. Review status: criteria provided, single submitter. Criteria: ACMG Guidelines, 2015. Collection method: reference population. Allele origin: germline.
Comment: The NM_012160.4:c.46T>C (NP_036292.2:p.Tyr16His) [GRCH38: NC_000006.12:g.98926943A>G] variant in FBXL4 gene is interpretated to be a Uncertain Significance - Insufficient Evidence based on ACMG guidelines (PMID: 25741868). This variant meets one or more of the following evidence codes reported in the ACMG-guideline. PM2:This variant is absent in key population databases. Based on this evidence code ClinGen Pathogenicity Calculator (PMID:28081714) suggested that the variant is Uncertain Significance - Insufficient Evidence.

NM_001278716.2(FBXL4):c.46T>C (p.Tyr16His)

Gene: FBXL4 (F-box and leucine rich repeat protein 4; minus strand). Cytogenetic location: 6q16.2.
Variant type: single nucleotide variant.
Coding change: c.46T>C on transcript NM_001278716.2 (MANE Select); coding-DNA position 46, T replaced by C.
Protein change: p.Tyr16His; replaces tyrosine 16 with histidine.
Molecular consequence: missense variant. On other transcripts: non-coding transcript variant (2).
Genome position (GRCh38, 1-based): chr6:98,926,943, A>G on the plus strand (T>C on the coding strand, the complement: FBXL4 is on the minus strand). VCF-style: chr6-98926943-A-G. GRCh37 (hg19) VCF-style: chr6-99374819-A-G.
Other names: c.46T>C, p.Tyr16His (NM_012160.5); short protein forms Y16H.
Identifiers: ClinVar variation 437520 (VCV000437520.1), dbSNP rs756533557, ClinGen allele CA3933756.